The following is an entry in ClinVar:

ClinVar aggregate classification (germline): Likely benign (0 of 4 stars; one submission).

Conditions:
MDN1-related disorder. Also called: MDN1-related condition.

Allele frequency attached by ClinVar (database versions not stated): ESP Exome Variant Server 0.00085; 1000 Genomes Project 0.00140; 1000 Genomes Project 30x 0.00141.
gnomAD v4.1: 516 of 1,613,840 alleles (0.032%); highest among the groups gnomAD compares: African/African-American, 0.34%; no homozygotes.

Submission:

PreventionGenetics, part of Exact Sciences
Classification: Likely benign for MDN1-related condition. Last evaluated: 2023-03-30. Review status: no assertion criteria provided. Collection method: clinical testing. Allele origin: germline.
Comment: This variant is classified as likely benign based on ACMG/AMP sequence variant interpretation guidelines (Richards et al. 2015 PMID: 25741868, with internal and published modifications).

NM_014611.3(MDN1):c.1367C>T (p.Pro456Leu)

Gene: MDN1 (midasin AAA ATPase 1; minus strand). Cytogenetic location: 6q15.
Variant type: single nucleotide variant.
Coding change: c.1367C>T on transcript NM_014611.3 (MANE Select); coding-DNA position 1367, C replaced by T.
Protein change: p.Pro456Leu; replaces proline 456 with leucine.
Molecular consequence: missense variant.
Genome position (GRCh38, 1-based): chr6:89,785,094, G>A on the plus strand (C>T on the coding strand, the complement: MDN1 is on the minus strand). VCF-style: chr6-89785094-G-A. GRCh37 (hg19) VCF-style: chr6-90494813-G-A.
Other names: short protein forms P456L.
Identifiers: ClinVar variation 3053158 (VCV003053158.2), dbSNP rs115772093, ClinGen allele CA3926031.